The following is an entry in ClinVar:

NM_006059.4(LAMC3):c.1939+6T>A

Gene: LAMC3 (laminin subunit gamma 3; plus strand). Cytogenetic location: 9q34.12.
Variant type: single nucleotide variant.
Coding change: c.1939+6T>A on transcript NM_006059.4 (MANE Select); 6 bases into the intron after coding-DNA position 1939, T replaced by A.
Molecular consequence: intron variant.
Genome position (GRCh38, 1-based): chr9:131,052,971, T>A. VCF-style: chr9-131052971-T-A. GRCh37 (hg19) VCF-style: chr9-133928358-T-A.
Identifiers: ClinVar variation 1414722 (VCV001414722.3), dbSNP rs755855748, ClinGen allele CA5287274.
Genomic context (GRCh38, chr9:131,052,971, plus strand): 5'-CTCGCCAACCTGACCAGCCTCCGCCTCCGCGTCAGTCCCGGCCCCAGCCCTGCCGGTCAG[T>A]AAAGACAACCACATGCCCAAGACCCGAGTGCTTGCCAGGTCTCAGAACTGGGCTGGGCTC-3'

ClinVar aggregate classification (germline): Uncertain significance (1 of 4 stars; one submission).

Allele frequency attached by ClinVar (database versions not stated): gnomAD 0.00001; gnomAD exomes 0.00001 and 0.00005; ExAC 0.00003; TOPMed 0.00004.
gnomAD v4.1: 15 of 1,601,440 alleles (0.00094%); highest among the groups gnomAD compares: Admixed American, 0.025%; no homozygotes.

Submission:

Labcorp Genetics (formerly Invitae), Labcorp
Classification: Uncertain significance. Last evaluated: 2022-08-09. Review status: criteria provided, single submitter. Criteria: Invitae Variant Classification Sherloc (09022015). Collection method: clinical testing. Allele origin: germline.
Comment: This sequence change falls in intron 11 of the LAMC3 gene. It does not directly change the encoded amino acid sequence of the LAMC3 protein. It affects a nucleotide within the consensus splice site. This variant is present in population databases (rs755855748, gnomAD 0.04%). This variant has not been reported in the literature in individuals affected with LAMC3-related conditions. ClinVar contains an entry for this variant (Variation ID: 1414722). Variants that disrupt the consensus splice site are a relatively common cause of aberrant splicing (PMID: 17576681, 9536098). Algorithms developed to predict the effect of sequence changes on RNA splicing suggest that this variant may disrupt the consensus splice site. In summary, the available evidence is currently insufficient to determine the role of this variant in disease. Therefore, it has been classified as a Variant of Uncertain Significance.

Literature cited by the submitters: PubMed 17576681; PubMed 9536098.